The following is an entry in ClinVar:

NM_015512.5(DNAH1):c.1941_1944del (p.Asn648fs)

Gene: DNAH1 (dynein axonemal heavy chain 1; plus strand). Cytogenetic location: 3p21.1.
Variant type: Deletion.
Coding change: c.1941_1944del on transcript NM_015512.5 (MANE Select); coding-DNA positions 1941 to 1944, 4 bases deleted (TAAC; older notation c.1941_1944delTAAC).
Protein change: p.Asn648fs; shifts the reading frame from asparagine 648.
Molecular consequence: frameshift variant.
Genome position (GRCh38, 1-based): chr3:52,346,756-52,346,759, TAAC deleted. VCF-style (leftmost placement, unchanged base first): chr3-52346755-TTAAC-T. GRCh37 (hg19) VCF-style: chr3-52380771-TTAAC-T.
Other names: c.1941_1944delTAAC (NM_015512.4); short protein forms N648fs.
Identifiers: ClinVar variation 544604 (VCV000544604.10), dbSNP rs1297408310, ClinGen allele CA433757128.
Genomic context (GRCh38, chr3:52,346,755, plus strand): 5'-GCGACACCTGTTGCAGCGTGCTCAACTGCACCGATGACATGGTCTGGGGTGACGACTTAA[TTAAC>T]AGCCCCTACAGGTGGGGCCCGGCGGGGCGGAGGCACCTGTTGACACCAGGTGATGTGTCA-3'

ClinVar aggregate classification (germline): Pathogenic/Likely pathogenic. Review status: criteria provided, multiple submitters, no conflicts (2 of 4 stars). 3 submissions from 3 submitters: Pathogenic (2); Likely pathogenic (1). Last evaluated 2025-07-23.

Conditions:
DNAH1-related disorders.
Spermatogenic failure 18. Identifiers: MedGen C4539783, MONDO:0054615, OMIM 617576.
Ciliary dyskinesia, primary, 37 (CILD37). Also called: CILIARY DYSKINESIA, PRIMARY, 37, WITH OR WITHOUT SITUS INVERSUS. Identifiers: MedGen C4539798, MONDO:0033204, OMIM 617577.

Allele frequency attached by ClinVar (database versions not stated): gnomAD 0.00001; gnomAD exomes 0.00001; TOPMed 0.00001; ESP Exome Variant Server 0.00008.

Submissions (3):

Labcorp Genetics (formerly Invitae), Labcorp
Classification: Pathogenic for Ciliary dyskinesia, primary, 37; Spermatogenic failure 18. Last evaluated: 2025-07-23. Review status: criteria provided, single submitter. Criteria: Invitae Variant Classification Sherloc (09022015). Collection method: clinical testing. Allele origin: germline.
Comment: This sequence change creates a premature translational stop signal (p.Asn648Alafs*36) in the DNAH1 gene. It is expected to result in an absent or disrupted protein product. Loss-of-function variants in DNAH1 are known to be pathogenic (PMID: 27573432, 27798045). This variant is present in population databases (no rsID available, gnomAD 0.002%). This variant has not been reported in the literature in individuals affected with DNAH1-related conditions. ClinVar contains an entry for this variant (Variation ID: 544604). For these reasons, this variant has been classified as Pathogenic.

Blueprint Genetics
Classification: Likely pathogenic for DNAH1-related disorders. Last evaluated: 2024-11-15. Review status: criteria provided, single submitter. Criteria: ACMG Guidelines, 2015. Collection method: clinical testing. Allele origin: germline. Affected: yes. Observed: 5 variant alleles.

Revvity Omics, Revvity
Classification: Pathogenic. Last evaluated: 2020-08-28. Review status: criteria provided, single submitter. Criteria: ACMG Guidelines, 2015. Collection method: clinical testing. Allele origin: germline.

Literature cited by the submitters: PubMed 27573432 (cited by Labcorp Genetics (formerly Invitae), Labcorp); PubMed 27798045 (cited by Labcorp Genetics (formerly Invitae), Labcorp).